The following is an entry in ClinVar:

ClinVar aggregate classification (germline): Uncertain significance. Review status: criteria provided, multiple submitters, no conflicts (2 of 4 stars). 2 submissions from 2 submitters: Uncertain significance (2). Last evaluated 2025-11-24.

Conditions:
Hereditary cancer-predisposing syndrome. Also called: Hereditary neoplastic syndrome; Neoplastic Syndromes, Hereditary; Hereditary Cancer Syndrome; Tumor predisposition. Identifiers: Orphanet 140162, MedGen C0027672, MeSH D009386, MONDO:0015356.

Allele frequency attached by ClinVar (database versions not stated): gnomAD exomes below 0.00001.
gnomAD v4.1: 2 of 1,614,062 alleles (0.00012%); highest among the groups gnomAD compares: Middle Eastern, 0.016%; no homozygotes.

Submissions (2):

Ambry Genetics
Classification: Uncertain significance for Hereditary cancer-predisposing syndrome. Last evaluated: 2025-11-24. Review status: criteria provided, single submitter. Criteria: Ambry Variant Classification Scheme 2023. Collection method: clinical testing. Allele origin: germline.
Comment: The p.C223Y variant (also known as c.668G>A), located in coding exon 6 of the SMARCB1 gene, results from a G to A substitution at nucleotide position 668. The cysteine at codon 223 is replaced by tyrosine, an amino acid with highly dissimilar properties. This variant was detected as heterozygous in individual(s) with no reported features of SMARCB1-related Coffin-Siris syndrome (Ambry internal data). This amino acid position is highly conserved in available vertebrate species. In addition, this alteration is predicted to be deleterious by in silico analysis. Based on the available evidence, the clinical significance of this variant remains unclear.

Labcorp Genetics (formerly Invitae), Labcorp
Classification: Uncertain significance. Last evaluated: 2025-08-20. Review status: criteria provided, single submitter. Criteria: Invitae Variant Classification Sherloc (09022015). Collection method: clinical testing. Allele origin: germline.
Comment: This sequence change replaces cysteine, which is neutral and slightly polar, with tyrosine, which is neutral and polar, at codon 223 of the SMARCB1 protein (p.Cys223Tyr). This variant is present in population databases (no rsID available, gnomAD no frequency). This variant has not been reported in the literature in individuals affected with SMARCB1-related conditions. ClinVar contains an entry for this variant (Variation ID: 659792). Invitae Evidence Modeling of protein sequence and biophysical properties (such as structural, functional, and spatial information, amino acid conservation, physicochemical variation, residue mobility, and thermodynamic stability) indicates that this missense variant is expected to disrupt SMARCB1 protein function with a positive predictive value of 80%. In summary, the available evidence is currently insufficient to determine the role of this variant in disease. Therefore, it has been classified as a Variant of Uncertain Significance.

NM_003073.5(SMARCB1):c.668G>A (p.Cys223Tyr)

Gene: SMARCB1 (SWI/SNF related BAF chromatin remodeling complex subunit B1; plus strand). Cytogenetic location: 22q11.23.
Variant type: single nucleotide variant.
Coding change: c.668G>A on transcript NM_003073.5 (MANE Select); coding-DNA position 668, G replaced by A.
Protein change: p.Cys223Tyr; replaces cysteine 223 with tyrosine.
Molecular consequence: missense variant.
Genome position (GRCh38, 1-based): chr22:23,816,809, G>A. VCF-style: chr22-23816809-G-A. GRCh37 (hg19) VCF-style: chr22-24158996-G-A.
Other names: c.668G>A (LRG_520t1); c.641G>A, p.Cys214Tyr (NM_001007468.3); c.695G>A, p.Cys232Tyr (NM_001317946.2); c.722G>A, p.Cys241Tyr (NM_001362877.2); short protein forms C232Y, C241Y, C223Y, C214Y.
Identifiers: ClinVar variation 659792 (VCV000659792.13), dbSNP rs1470474620, ClinGen allele CA410901168.